The following is an entry in ClinVar:

ClinVar aggregate classification (germline): Uncertain significance. Review status: criteria provided, multiple submitters, no conflicts (2 of 4 stars). 2 submissions from 2 submitters: Uncertain significance (2). Last evaluated 2025-12-04.

Conditions:
DYRK1B-related disorder. Also called: DYRK1B-related condition.

Submissions (2):

PreventionGenetics, part of Exact Sciences
Classification: Uncertain significance for DYRK1B-related condition. Last evaluated: 2025-12-04. Review status: criteria provided, single submitter. Criteria: ACMG Guidelines, 2015. Collection method: clinical testing. Allele origin: germline.
Comment: The DYRK1B c.1633C>A variant is predicted to result in the amino acid substitution p.Gln545Lys. To our knowledge, this variant has not been reported in the literature. This variant is reported in 0.0058% of alleles in individuals of East Asian descent in gnomAD. At this time, the clinical significance of this variant is uncertain due to the absence of conclusive functional and genetic evidence.

Labcorp Genetics (formerly Invitae), Labcorp
Classification: Uncertain significance. Last evaluated: 2024-08-21. Review status: criteria provided, single submitter. Criteria: Invitae Variant Classification Sherloc (09022015). Collection method: clinical testing. Allele origin: germline.
Comment: This sequence change replaces glutamine, which is neutral and polar, with lysine, which is basic and polar, at codon 545 of the DYRK1B protein (p.Gln545Lys). This variant is present in population databases (no rsID available, gnomAD 0.006%). This variant has not been reported in the literature in individuals affected with DYRK1B-related conditions. Invitae Evidence Modeling of protein sequence and biophysical properties (such as structural, functional, and spatial information, amino acid conservation, physicochemical variation, residue mobility, and thermodynamic stability) indicates that this missense variant is not expected to disrupt DYRK1B protein function with a negative predictive value of 95%. In summary, the available evidence is currently insufficient to determine the role of this variant in disease. Therefore, it has been classified as a Variant of Uncertain Significance.

NM_004714.3(DYRK1B):c.1633C>A (p.Gln545Lys)

Gene: DYRK1B (dual specificity tyrosine phosphorylation regulated kinase 1B; minus strand). Cytogenetic location: 19q13.2.
Variant type: single nucleotide variant.
Coding change: c.1633C>A on transcript NM_004714.3 (MANE Select); coding-DNA position 1633, C replaced by A.
Protein change: p.Gln545Lys; replaces glutamine 545 with lysine.
Molecular consequence: missense variant.
Genome position (GRCh38, 1-based): chr19:39,825,972, G>T on the plus strand (C>A on the coding strand, the complement: DYRK1B is on the minus strand). VCF-style: chr19-39825972-G-T. GRCh37 (hg19) VCF-style: chr19-40316612-G-T.
Other names: c.1513C>A, p.Gln505Lys (NM_006483.3); c.1549C>A, p.Gln517Lys (NM_006484.3); c.1633C>A (NM_004714.2); short protein forms Q505K, Q517K, Q545K.
Identifiers: ClinVar variation 3612097 (VCV003612097.3).